The following is an entry in ClinVar:

ClinVar aggregate classification (germline): Uncertain significance. Review status: criteria provided, multiple submitters, no conflicts (2 of 4 stars). 2 submissions from 2 submitters: Uncertain significance (2). Last evaluated 2025-01-01.

Conditions:
Hereditary nonpolyposis colorectal neoplasms. Identifiers: MedGen C0009405, MeSH D003123.
Hereditary cancer-predisposing syndrome. Also called: Hereditary neoplastic syndrome; Tumor predisposition; Neoplastic Syndromes, Hereditary; Hereditary Cancer Syndrome. Identifiers: Orphanet 140162, MedGen C0027672, MeSH D009386, MONDO:0015356.

Allele frequency attached by ClinVar (database versions not stated): gnomAD 0.00001; TOPMed below 0.00001.
gnomAD v4.1: 1 of 1,614,078 alleles (0.000062%); highest among the groups gnomAD compares: African/African-American, 0.0013%; no homozygotes.

Submissions (2):

Labcorp Genetics (formerly Invitae), Labcorp
Classification: Uncertain significance for Hereditary nonpolyposis colorectal neoplasms. Last evaluated: 2025-01-01. Review status: criteria provided, single submitter. Criteria: Invitae Variant Classification Sherloc (09022015). Collection method: clinical testing. Allele origin: germline.
Comment: This sequence change replaces alanine, which is neutral and non-polar, with aspartic acid, which is acidic and polar, at codon 322 of the MSH6 protein (p.Ala322Asp). This variant is not present in population databases (gnomAD no frequency). This variant has not been reported in the literature in individuals affected with MSH6-related conditions. ClinVar contains an entry for this variant (Variation ID: 657066). Invitae Evidence Modeling of protein sequence and biophysical properties (such as structural, functional, and spatial information, amino acid conservation, physicochemical variation, residue mobility, and thermodynamic stability) indicates that this missense variant is not expected to disrupt MSH6 protein function with a negative predictive value of 95%. In summary, the available evidence is currently insufficient to determine the role of this variant in disease. Therefore, it has been classified as a Variant of Uncertain Significance.

Ambry Genetics
Classification: Uncertain significance for Hereditary cancer-predisposing syndrome. Last evaluated: 2024-11-16. Review status: criteria provided, single submitter. Criteria: Ambry Variant Classification Scheme 2023. Collection method: clinical testing. Allele origin: germline.
Comment: The p.A322D variant (also known as c.965C>A), located in coding exon 4 of the MSH6 gene, results from a C to A substitution at nucleotide position 965. The alanine at codon 322 is replaced by aspartic acid, an amino acid with dissimilar properties. This amino acid position is not well conserved in available vertebrate species. In addition, the in silico prediction for this alteration is inconclusive. Since supporting evidence is limited at this time, the clinical significance of this alteration remains unclear.

NM_000179.3(MSH6):c.965C>A (p.Ala322Asp)

Gene: MSH6 (mutS homolog 6; plus strand). Cytogenetic location: 2p16.3.
Variant type: single nucleotide variant.
Coding change: c.965C>A on transcript NM_000179.3 (MANE Select); coding-DNA position 965, C replaced by A.
Protein change: p.Ala322Asp; replaces alanine 322 with aspartic acid.
Molecular consequence: missense variant.
Genome position (GRCh38, 1-based): chr2:47,798,948, C>A. VCF-style: chr2-47798948-C-A. GRCh37 (hg19) VCF-style: chr2-48026087-C-A.
Other names: c.575C>A, p.Ala192Asp (NM_001281492.2); c.59C>A, p.Ala20Asp (NM_001281493.2, NM_001281494.2); short protein forms A322D, A20D, A192D.
Identifiers: ClinVar variation 657066 (VCV000657066.16), dbSNP rs1253844411, ClinGen allele CA346740916.